The following is an entry in ClinVar:

NM_001170629.2(CHD8):c.634C>T (p.Arg212Ter)

Gene: CHD8 (chromodomain helicase DNA binding protein 8; minus strand). Cytogenetic location: 14q11.2.
Variant type: single nucleotide variant.
Coding change: c.634C>T on transcript NM_001170629.2 (MANE Select); coding-DNA position 634, C replaced by T.
Protein change: p.Arg212Ter; replaces arginine 212 with a stop codon.
Molecular consequence: nonsense. On other transcripts: intron variant (1).
Genome position (GRCh38, 1-based): chr14:21,431,010, G>A on the plus strand (C>T on the coding strand, the complement: CHD8 is on the minus strand). VCF-style: chr14-21431010-G-A. GRCh37 (hg19) VCF-style: chr14-21899169-G-A.
Other names: c.6+801C>T (NM_020920.4); short protein forms R212*.
Identifiers: ClinVar variation 811149 (VCV000811149.10), dbSNP rs556977377, ClinGen allele CA388887711.

ClinVar aggregate classification (germline): Pathogenic. Review status: criteria provided, multiple submitters, no conflicts (2 of 4 stars). 2 submissions from 2 submitters: Pathogenic (2). Last evaluated 2021-08-13.

Conditions:
Intellectual developmental disorder with autism and macrocephaly. Also called: CHD8-Related Neurodevelopmental Disorder with Overgrowth; Autism, susceptibility to, 18. Identifiers: Orphanet 642675, MedGen C3554373, MONDO:0014017, OMIM 615032.

gnomAD v4.1: 2 of 1,599,482 alleles (0.00013%); highest among the groups gnomAD compares: African/African-American, 0.0013%; no homozygotes.

Submissions (2):

GeneDx
Classification: Pathogenic. Last evaluated: 2021-08-13. Review status: criteria provided, single submitter. Criteria: GeneDx Variant Classification Process June 2021. Collection method: clinical testing. Allele origin: germline. Affected: yes.
Comment: Nonsense variant predicted to result in protein truncation or nonsense mediated decay in a gene for which loss-of-function is a known mechanism of disease; Not observed at a significant frequency in large population cohorts (Lek et al., 2016); This variant is associated with the following publications: (PMID: 30564305)

ARUP Laboratories, Molecular Genetics and Genomics, ARUP Laboratories
Classification: Pathogenic for Intellectual developmental disorder with autism and macrocephaly. Last evaluated: 2018-09-14. Review status: criteria provided, single submitter. Criteria: ARUP Molecular Germline Variant Investigation Process. Collection method: clinical testing. Allele origin: germline.
Comment: The CHD8 c.634C>T; p.Arg212Ter variant, to our knowledge, is not reported in the medical literature or gene specific databases. This variant is only observed on one allele in the Genome Aggregation Database, indicating it is not a common polymorphism. This variant induces an early termination codon and is predicted to result in a truncated protein or mRNA subject to nonsense-mediated decay. Other downstream nonsense variants have been reported in individuals with autism and overgrowth with intellectual disability, and are considered pathogenic (Bernier 2014, Tatton-Brown 2017). Based on available information, the p.Arg212Ter variant is considered to be pathogenic. References: Bernier R et al. Disruptive CHD8 mutations define a subtype of autism early in development. Cell. 2014 Jul 17;158(2):263-276. Tatton-Brown K et al. Mutations in Epigenetic Regulation Genes Are a Major Cause of Overgrowth with Intellectual Disability. Am J Hum Genet. 2017 May 4;100(5):725-736.